The following is an entry in ClinVar:

NM_003737.4(DCHS1):c.2560C>T (p.Arg854Trp)

Gene: DCHS1 (dachsous cadherin-related 1; minus strand). Cytogenetic location: 11p15.4.
Variant type: single nucleotide variant.
Coding change: c.2560C>T on transcript NM_003737.4 (MANE Select); coding-DNA position 2560, C replaced by T.
Protein change: p.Arg854Trp; replaces arginine 854 with tryptophan.
Molecular consequence: missense variant.
Genome position (GRCh38, 1-based): chr11:6,632,952, G>A on the plus strand (C>T on the coding strand, the complement: DCHS1 is on the minus strand). VCF-style: chr11-6632952-G-A. GRCh37 (hg19) VCF-style: chr11-6654183-G-A.
Other names: short protein forms R854W.
Identifiers: ClinVar variation 4009716 (VCV004009716.2).

ClinVar aggregate classification (germline): Uncertain significance. Review status: criteria provided, multiple submitters, no conflicts (2 of 4 stars). 2 submissions from 2 submitters: Uncertain significance (2). Last evaluated 2025-12-02.

Conditions:
Inborn genetic diseases. Identifiers: MedGen C0950123, MeSH D030342.

gnomAD v4.1: 11 of 1,614,028 alleles (0.00068%); highest among the groups gnomAD compares: Admixed American, 0.0033%; no homozygotes.

Submissions (2):

Labcorp Genetics (formerly Invitae), Labcorp
Classification: Uncertain significance. Last evaluated: 2025-12-02. Review status: criteria provided, single submitter. Criteria: Invitae Variant Classification Sherloc (09022015). Collection method: clinical testing. Allele origin: germline.
Comment: This sequence change replaces arginine, which is basic and polar, with tryptophan, which is neutral and slightly polar, at codon 854 of the DCHS1 protein (p.Arg854Trp). This variant is present in population databases (no rsID available, gnomAD 0.003%). This variant has not been reported in the literature in individuals affected with DCHS1-related conditions. ClinVar contains an entry for this variant (Variation ID: 4009716). Invitae Evidence Modeling of protein sequence and biophysical properties (such as structural, functional, and spatial information, amino acid conservation, physicochemical variation, residue mobility, and thermodynamic stability) indicates that this missense variant is not expected to disrupt DCHS1 protein function with a negative predictive value of 80%. In summary, the available evidence is currently insufficient to determine the role of this variant in disease. Therefore, it has been classified as a Variant of Uncertain Significance.

Ambry Genetics
Classification: Uncertain significance for Inborn genetic diseases. Last evaluated: 2025-06-09. Review status: criteria provided, single submitter. Criteria: Ambry Variant Classification Scheme 2023. Collection method: clinical testing. Allele origin: germline.